The following is an entry in ClinVar:

ClinVar aggregate classification (germline): Pathogenic/Likely pathogenic. Review status: criteria provided, multiple submitters, no conflicts (2 of 4 stars). 2 submissions from 2 submitters: Pathogenic (1); Likely pathogenic (1). Last evaluated 2025-12-13.

Conditions:
Autosomal dominant intellectual disability-craniofacial anomalies-cardiac defects syndrome (ARTHS). Also called: Arboleda-Tham syndrome; Mental retardation, autosomal dominant 32; KAT6A syndrome. Identifiers: Orphanet 457193, MedGen C4225396, MONDO:0014558, OMIM 616268.

Submissions (2):

GeneDx
Classification: Pathogenic. Last evaluated: 2025-12-13. Review status: criteria provided, single submitter. Criteria: GeneDx Variant Classification Process June 2021. Collection method: clinical testing. Allele origin: germline. Affected: yes.
Comment: Nonsense variant predicted to result in protein truncation or nonsense mediated decay in a gene for which loss of function is a known mechanism of disease; Not observed at significant frequency in large population cohorts (gnomAD); This variant is associated with the following publications: (PMID: 30245513, 33057194, 35982159, 38318288, 37776660)

Klinisk genetik och genomik Research, Gothenburg University
Classification: Likely pathogenic for Autosomal dominant intellectual disability-craniofacial anomalies-cardiac defects syndrome. Last evaluated: 2023-11-09. Review status: criteria provided, single submitter. Criteria: ACMG Guidelines, 2015. Collection method: research. Allele origin: unknown. Affected: yes.
Comment: Syndromic multiple suture craniosynostosis

NM_006766.5(KAT6A):c.3055C>T (p.Arg1019Ter)

Gene: KAT6A (lysine acetyltransferase 6A; minus strand). Cytogenetic location: 8p11.21.
Variant type: single nucleotide variant.
Coding change: c.3055C>T on transcript NM_006766.5 (MANE Select); coding-DNA position 3055, C replaced by T.
Protein change: p.Arg1019Ter; replaces arginine 1019 with a stop codon.
Molecular consequence: nonsense.
Genome position (GRCh38, 1-based): chr8:41,937,553, G>A on the plus strand (C>T on the coding strand, the complement: KAT6A is on the minus strand). VCF-style: chr8-41937553-G-A. GRCh37 (hg19) VCF-style: chr8-41795071-G-A.
Other names: short protein forms R1019*.
Identifiers: ClinVar variation 489088 (VCV000489088.5), dbSNP rs1554680902, ClinGen allele CA371071081.